The following is an entry in ClinVar:

ClinVar aggregate classification (germline): Uncertain significance (1 of 4 stars; one submission).

Submission:

Labcorp Genetics (formerly Invitae), Labcorp
Classification: Uncertain significance. Last evaluated: 2025-12-03. Review status: criteria provided, single submitter. Criteria: Invitae Variant Classification Sherloc (09022015). Collection method: clinical testing. Allele origin: germline.
Comment: This sequence change replaces proline, which is neutral and non-polar, with serine, which is neutral and polar, at codon 1680 of the CACNA1E protein (p.Pro1680Ser). This variant is present in population databases (rs765068507, gnomAD 0.003%). This variant has not been reported in the literature in individuals affected with CACNA1E-related conditions. Invitae Evidence Modeling of protein sequence and biophysical properties (such as structural, functional, and spatial information, amino acid conservation, physicochemical variation, residue mobility, and thermodynamic stability) has been performed for this missense variant. However, the output from this modeling did not meet the statistical confidence thresholds required to predict the impact of this variant on CACNA1E protein function. In summary, the available evidence is currently insufficient to determine the role of this variant in disease. Therefore, it has been classified as a Variant of Uncertain Significance.

NM_001205293.3(CACNA1E):c.5038C>T (p.Pro1680Ser)

Gene: CACNA1E (calcium voltage-gated channel subunit alpha1 E; plus strand). Cytogenetic location: 1q25.3.
Variant type: single nucleotide variant.
Coding change: c.5038C>T on transcript NM_001205293.3 (MANE Select); coding-DNA position 5038, C replaced by T.
Protein change: p.Pro1680Ser; replaces proline 1680 with serine.
Molecular consequence: missense variant.
Genome position (GRCh38, 1-based): chr1:181,772,130, C>T. VCF-style: chr1-181772130-C-T. GRCh37 (hg19) VCF-style: chr1-181741266-C-T.
Other names: c.5038C>T, p.Pro1680Ser (NM_000721.4); c.4981C>T, p.Pro1661Ser (NM_001205294.2); short protein forms P1680S, P1661S.
Identifiers: ClinVar variation 4762926 (VCV004762926.1).